The following is an entry in ClinVar:

ClinVar aggregate classification (germline): Uncertain significance. Review status: criteria provided, multiple submitters, no conflicts (2 of 4 stars). 2 submissions from 2 submitters: Uncertain significance (2). Last evaluated 2025-10-23.

Conditions:
Hereditary cancer-predisposing syndrome. Also called: Neoplastic Syndromes, Hereditary; Tumor predisposition; Hereditary neoplastic syndrome; Hereditary Cancer Syndrome. Identifiers: Orphanet 140162, MedGen C0027672, MeSH D009386, MONDO:0015356.

Allele frequency attached by ClinVar (database versions not stated): gnomAD exomes below 0.00001; ExAC 0.00001.

Submissions (2):

Ambry Genetics
Classification: Uncertain significance for Hereditary cancer-predisposing syndrome. Last evaluated: 2025-10-23. Review status: criteria provided, single submitter. Criteria: Ambry Variant Classification Scheme 2023. Collection method: clinical testing. Allele origin: germline.
Comment: The p.C228R variant (also known as c.682T>C), located in coding exon 3 of the XRCC2 gene, results from a T to C substitution at nucleotide position 682. The cysteine at codon 228 is replaced by arginine, an amino acid with highly dissimilar properties. This amino acid position is highly conserved in available vertebrate species. In addition, this alteration is predicted to be deleterious by in silico analysis. Since supporting evidence is limited at this time, the clinical significance of this alteration remains unclear.

Labcorp Genetics (formerly Invitae), Labcorp
Classification: Uncertain significance. Last evaluated: 2025-06-30. Review status: criteria provided, single submitter. Criteria: Invitae Variant Classification Sherloc (09022015). Collection method: clinical testing. Allele origin: germline.
Comment: This sequence change replaces cysteine, which is neutral and slightly polar, with arginine, which is basic and polar, at codon 228 of the XRCC2 protein (p.Cys228Arg). This variant is not present in population databases (gnomAD no frequency). This variant has not been reported in the literature in individuals affected with XRCC2-related conditions. ClinVar contains an entry for this variant (Variation ID: 826651). Invitae Evidence Modeling of protein sequence and biophysical properties (such as structural, functional, and spatial information, amino acid conservation, physicochemical variation, residue mobility, and thermodynamic stability) indicates that this missense variant is expected to disrupt XRCC2 protein function with a positive predictive value of 80%. In summary, the available evidence is currently insufficient to determine the role of this variant in disease. Therefore, it has been classified as a Variant of Uncertain Significance.

NM_005431.2(XRCC2):c.682T>C (p.Cys228Arg)

Gene: XRCC2 (X-ray repair cross complementing 2; minus strand). Cytogenetic location: 7q36.1.
Variant type: single nucleotide variant.
Coding change: c.682T>C on transcript NM_005431.2 (MANE Select); coding-DNA position 682, T replaced by C.
Protein change: p.Cys228Arg; replaces cysteine 228 with arginine.
Molecular consequence: missense variant.
Genome position (GRCh38, 1-based): chr7:152,648,803, A>G on the plus strand (T>C on the coding strand, the complement: XRCC2 is on the minus strand). VCF-style: chr7-152648803-A-G. GRCh37 (hg19) VCF-style: chr7-152345888-A-G.
Other names: short protein forms C228R.
Identifiers: ClinVar variation 826651 (VCV000826651.11), dbSNP rs771722750, ClinGen allele CA4582309.